The following is an entry in ClinVar:

ClinVar aggregate classification (germline): Uncertain significance (1 of 4 stars; one submission).

Allele frequency attached by ClinVar (database versions not stated): gnomAD exomes below 0.00001; TOPMed below 0.00001; gnomAD 0.00001.
gnomAD v4.1: 2 of 1,613,036 alleles (0.00012%); highest among the groups gnomAD compares: Non-Finnish European, 0.00017%; no homozygotes.

Submission:

GeneDx
Classification: Uncertain significance. Last evaluated: 2017-03-21. Review status: criteria provided, single submitter. Criteria: GeneDx Variant Classification (06012015). Collection method: clinical testing. Allele origin: germline. Affected: yes.
Comment: The K1949E variant of uncertain significance in the FBN2 gene has not been published as pathogenic or been reported as benign to our knowledge. This variant is not observed in large population cohorts (Lek et al., 2016; 1000 Genomes Consortium et al., 2015; Exome Variant Server). The K1949E variant is a non-conservative amino acid substitution, which is likely to impact secondary protein structure as these residues differ in polarity, charge, size and/or other properties. This substitution occurs at a position that is conserved across species, and 2/3 in silico algorithms predict this variant is probably damaging to the protein structure/function. However, although this variant occurs within a calcium-binding EGF-like domain of the FBN2 gene, it does not affect a Cysteine residue. Cysteine substitutions in the calcium-binding EGF-like domains represent the majority of pathogenic missense changes associated with congenital arachnodactyly (Collod-Beroud et al., 2003; FrÃ©dÃ©ric et al., 2009).

NM_001999.4(FBN2):c.5845A>G (p.Lys1949Glu)

Gene: FBN2 (fibrillin 2; minus strand). Cytogenetic location: 5q23.3.
Variant type: single nucleotide variant.
Coding change: c.5845A>G on transcript NM_001999.4 (MANE Select); coding-DNA position 5845, A replaced by G.
Protein change: p.Lys1949Glu; replaces lysine 1949 with glutamic acid.
Molecular consequence: missense variant.
Genome position (GRCh38, 1-based): chr5:128,303,045, T>C on the plus strand (A>G on the coding strand, the complement: FBN2 is on the minus strand). VCF-style: chr5-128303045-T-C. GRCh37 (hg19) VCF-style: chr5-127638737-T-C.
Other names: short protein forms K1949E.
Identifiers: ClinVar variation 424461 (VCV000424461.2), dbSNP rs1064796980, ClinGen allele CA16618110.
Genomic context (GRCh38, chr5:128,303,045, plus strand): 5'-TATTATGAGTGAGTTCAAACCCTGGGTAGCACAGACAGTTATAGGATCCAACGGTGTTTT[T>C]ACAAGTTCCATTTCCACATGGATGCCGCTCGCACTCATCAACATCTATAAAGAAATATAG-3'
Protein context (NP_001990.2, residues 1939-1959): ERHPCGNGTC[Lys1949Glu]NTVGSYNCLC